The following is an entry in ClinVar:

ClinVar aggregate classification (germline): Uncertain significance. Review status: criteria provided, multiple submitters, no conflicts (2 of 4 stars). 2 submissions from 2 submitters: Uncertain significance (2). Last evaluated 2025-10-17.

Conditions:
Autosomal recessive limb-girdle muscular dystrophy type 2J (LGMDR10). Also called: Limb-girdle muscular dystrophy, type 2J; MUSCULAR DYSTROPHY, LIMB-GIRDLE, AUTOSOMAL RECESSIVE 10. Identifiers: Orphanet 140922, MedGen C1837342, MONDO:0012127, OMIM 608807.
Dilated cardiomyopathy 1G (CMD1G). Identifiers: Orphanet 154, MedGen C1858763, MONDO:0011400, OMIM 604145.

Allele frequency attached by ClinVar (database versions not stated): gnomAD exomes below 0.00001.
gnomAD v4.1: 4 of 1,614,018 alleles (0.00025%); highest among the groups gnomAD compares: Non-Finnish European, 0.00034%; no homozygotes.

Submissions (2):

Labcorp Genetics (formerly Invitae), Labcorp
Classification: Uncertain significance for Dilated cardiomyopathy 1G; Autosomal recessive limb-girdle muscular dystrophy type 2J. Last evaluated: 2025-10-17. Review status: criteria provided, single submitter. Criteria: Invitae Variant Classification Sherloc (09022015). Collection method: clinical testing. Allele origin: germline.
Comment: This sequence change replaces alanine, which is neutral and non-polar, with threonine, which is neutral and polar, at codon 35853 of the TTN protein (p.Ala35853Thr). This variant is not present in population databases (gnomAD no frequency). This variant has not been reported in the literature in individuals affected with TTN-related conditions. ClinVar contains an entry for this variant (Variation ID: 466767). Experimental studies and prediction algorithms are not available or were not evaluated, and the functional significance of this variant is currently unknown. This variant is located in the M band of TTN (PMID: 25589632). Non-truncating variants in this region may be relevant for neuromuscular disorders, but have not been definitively shown to cause cardiomyopathy (PMID: 23975875). In summary, the available evidence is currently insufficient to determine the role of this variant in disease. Therefore, it has been classified as a Variant of Uncertain Significance.

Revvity Omics, Revvity
Classification: Uncertain significance. Last evaluated: 2020-12-28. Review status: criteria provided, single submitter. Criteria: ACMG Guidelines, 2015. Collection method: clinical testing. Allele origin: germline.

Literature cited by the submitters: PubMed 25589632 (cited by Labcorp Genetics (formerly Invitae), Labcorp); PubMed 23975875 (cited by Labcorp Genetics (formerly Invitae), Labcorp).

NM_001267550.2(TTN):c.107557G>A (p.Ala35853Thr)

Genes: TTN (titin; minus strand), TTN-AS1 (TTN antisense RNA 1; plus strand). Cytogenetic location: 2q31.2.
Variant type: single nucleotide variant.
Coding change: c.107557G>A on transcript NM_001267550.2 (MANE Select); coding-DNA position 107557, G replaced by A.
Protein change: p.Ala35853Thr; replaces alanine 35853 with threonine.
Molecular consequence: missense variant.
Genome position (GRCh38, 1-based): chr2:178,527,569, C>T on the plus strand (G>A on the coding strand, the complement: TTN is on the minus strand). VCF-style: chr2-178527569-C-T. GRCh37 (hg19) VCF-style: chr2-179392296-C-T.
Other names: c.102634G>A, p.Ala34212Thr (NM_001256850.1); c.80362G>A, p.Ala26788Thr (NM_003319.4); c.99853G>A, p.Ala33285Thr (NM_133378.4); c.80737G>A, p.Ala26913Thr (NM_133432.3); c.80938G>A, p.Ala26980Thr (NM_133437.4); short protein forms A35853T, A26913T, A26788T, A33285T, A26980T, A34212T.
Identifiers: ClinVar variation 466767 (VCV000466767.11), dbSNP rs1553477669, ClinGen allele CA349400105.